The following is an entry in ClinVar:

ClinVar aggregate classification (germline): Uncertain significance. Review status: criteria provided, multiple submitters, no conflicts (2 of 4 stars). 3 submissions from 3 submitters: Uncertain significance (3). Last evaluated 2024-03-20.

Conditions:
GATM-related disorder. Also called: GATM-related condition.
Arginine:glycine amidinotransferase deficiency (CCDS3). Also called: AGAT deficiency; L-Arginine:Glycine Amidinotransferase (AGAT) Deficiency; Cerebral creatine deficiency syndrome 3; L-Arginine:Glycine Amidinotransferase Deficiency; Creatine deficiency syndrome due to AGAT deficiency; GATM deficiency. Identifiers: Orphanet 35704, MedGen C2675179, MONDO:0012996, OMIM 612718.

Allele frequency attached by ClinVar (database versions not stated): ExAC 0.00001; gnomAD 0.00001; gnomAD exomes 0.00001.
gnomAD v4.1: 12 of 1,613,462 alleles (0.00074%); highest among the groups gnomAD compares: South Asian, 0.0033%; no homozygotes.

Submissions (3):

Labcorp Genetics (formerly Invitae), Labcorp
Classification: Uncertain significance for Arginine:glycine amidinotransferase deficiency. Last evaluated: 2024-03-20. Review status: criteria provided, single submitter. Criteria: Invitae Variant Classification Sherloc (09022015). Collection method: clinical testing. Allele origin: germline.
Comment: This sequence change replaces arginine, which is basic and polar, with cysteine, which is neutral and slightly polar, at codon 369 of the GATM protein (p.Arg369Cys). This variant is present in population databases (rs768118194, gnomAD 0.006%). This variant has not been reported in the literature in individuals affected with GATM-related conditions. ClinVar contains an entry for this variant (Variation ID: 205618). Advanced modeling of protein sequence and biophysical properties (such as structural, functional, and spatial information, amino acid conservation, physicochemical variation, residue mobility, and thermodynamic stability) performed at Invitae indicates that this missense variant is expected to disrupt GATM protein function with a positive predictive value of 80%. In summary, the available evidence is currently insufficient to determine the role of this variant in disease. Therefore, it has been classified as a Variant of Uncertain Significance.

PreventionGenetics, part of Exact Sciences
Classification: Uncertain significance for GATM-related condition. Last evaluated: 2023-09-14. Review status: criteria provided, single submitter. Criteria: ACMG Guidelines, 2015. Collection method: clinical testing. Allele origin: germline.
Comment: The GATM c.1105C>T variant is predicted to result in the amino acid substitution p.Arg369Cys. To our knowledge, this variant has not been reported in the literature. This variant is reported in 0.0065% of alleles in individuals of South Asian descent in gnomAD. At this time, the clinical significance of this variant is uncertain due to the absence of conclusive functional and genetic evidence.

GeneDx
Classification: Uncertain significance. Last evaluated: 2012-09-05. Review status: criteria provided, single submitter. Criteria: GeneDx Variant Classification (06012015). Collection method: clinical testing. Allele origin: germline. Affected: yes.
Comment: p.Arg369Cys (CGT>TGT):c.1105 C>T in exon 8 of the GATM gene (NM_001482.2). The Arg369Cys missense variant has not been published as a mutation nor as it been reported as a benign polymorphism to our knowledge. The NLBI ESP Exome Variant Project has not identified Arg369Cys in approximately 6,500 individuals of European or African American ancestry, indicating that it is not a common benign variant in these populations. The amino acid substitution is non-conservative, as a positively charged Arginine residue is replaced by a uncharged Cysteine residue and the gain of a Cysteine may alter disulfide bond formation in the protein. Arg369Cys alters a position that is highly conserved and multiple in silico models predict that Arg369Cys is damaging to the structure/function of the GATM protein. However, no missense mutations in the GATM gene have been published. Therefore, based on the currently available information, it is unclear whether Arg369Cys is a disease-causing mutation or a rare benign variant. The variant is found in EPILEPSY panel(s).

NM_001482.3(GATM):c.1105C>T (p.Arg369Cys)

Gene: GATM (glycine amidinotransferase; minus strand). Cytogenetic location: 15q21.1.
Variant type: single nucleotide variant.
Coding change: c.1105C>T on transcript NM_001482.3 (MANE Select); coding-DNA position 1105, C replaced by T.
Protein change: p.Arg369Cys; replaces arginine 369 with cysteine.
Molecular consequence: missense variant.
Genome position (GRCh38, 1-based): chr15:45,363,954, G>A on the plus strand (C>T on the coding strand, the complement: GATM is on the minus strand). VCF-style: chr15-45363954-G-A. GRCh37 (hg19) VCF-style: chr15-45656152-G-A.
Other names: p.R369C:CGT>TGT; c.718C>T, p.Arg240Cys (NM_001321015.2); short protein forms R369C, R240C.
Identifiers: ClinVar variation 205618 (VCV000205618.6), dbSNP rs768118194, ClinGen allele CA314878.
Genomic context (GRCh38, chr15:45,363,954, plus strand): 5'-ACATACCCAGCTTTTCAAACATCTTTTGAATTGGAACTTCATTGGCATCCACCATAACAC[G>A]TTTTTCATCTAGCATTAAGACATTCATGGAAAGCCATTTGGATGACATCCAGAGTGGATG-3'
Protein context (NP_001473.1, residues 359-379): SMNVLMLDEK[Arg369Cys]VMVDANEVPI